The following is an entry in ClinVar:

NM_018834.6(MATR3):c.883A>G (p.Ile295Val)

Gene: MATR3 (matrin 3; plus strand). Cytogenetic location: 5q31.2.
Variant type: single nucleotide variant.
Coding change: c.883A>G on transcript NM_018834.6 (MANE Select); coding-DNA position 883, A replaced by G.
Protein change: p.Ile295Val; replaces isoleucine 295 with valine.
Molecular consequence: missense variant. On other transcripts: intron variant (11).
Genome position (GRCh38, 1-based): chr5:139,308,298, A>G. VCF-style: chr5-139308298-A-G. GRCh37 (hg19) VCF-style: chr5-138643987-A-G.
Other names: c.883A>G, p.Ile295Val (NM_001194954.2, NM_001194955.2, NM_001400441.1 and 16 more transcripts); c.52-6377A>G (NM_001400459.1); c.-102-6377A>G (NM_001400463.1, NM_001400460.1, NM_001282278.2 and 3 more transcripts); c.-40-7399A>G (NM_001400462.1, NM_001400467.1); c.13-6377A>G (NM_001400461.1); c.49-6377A>G (NM_001194956.2); short protein forms I295V.
Identifiers: ClinVar variation 1934746 (VCV001934746.5), dbSNP rs1295380909, ClinGen allele CA361488290.

ClinVar aggregate classification (germline): Uncertain significance (1 of 4 stars; one submission).

Conditions:
Amyotrophic lateral sclerosis type 21. Also called: MYOPATHY, DISTAL, 2; VOCAL CORD AND PHARYNGEAL DYSFUNCTION WITH DISTAL MYOPATHY. Identifiers: Orphanet 600, Orphanet 803, MedGen C3807521, MONDO:0011632, OMIM 606070.

Allele frequency attached by ClinVar (database versions not stated): gnomAD exomes below 0.00001; gnomAD 0.00001; TOPMed 0.00001.
gnomAD v4.1: 6 of 1,614,022 alleles (0.00037%); highest among the groups gnomAD compares: African/African-American, 0.0013%; no homozygotes.

Submission:

Labcorp Genetics (formerly Invitae), Labcorp
Classification: Uncertain significance for Amyotrophic lateral sclerosis type 21. Last evaluated: 2022-05-03. Review status: criteria provided, single submitter. Criteria: Invitae Variant Classification Sherloc (09022015). Collection method: clinical testing. Allele origin: germline.
Comment: In summary, the available evidence is currently insufficient to determine the role of this variant in disease. Therefore, it has been classified as a Variant of Uncertain Significance. Algorithms developed to predict the effect of missense changes on protein structure and function are either unavailable or do not agree on the potential impact of this missense change (SIFT: "Tolerated"; PolyPhen-2: "Possibly Damaging"; Align-GVGD: "Class C15"). This variant has not been reported in the literature in individuals affected with MATR3-related conditions. This variant is present in population databases (no rsID available, gnomAD 0.0009%). This sequence change replaces isoleucine, which is neutral and non-polar, with valine, which is neutral and non-polar, at codon 295 of the MATR3 protein (p.Ile295Val).